The following is an entry in ClinVar:

NM_001079802.2(FKTN):c.780+129T>C

Gene: FKTN (fukutin; plus strand). Cytogenetic location: 9q31.2.
Variant type: single nucleotide variant.
Coding change: c.780+129T>C on transcript NM_001079802.2 (MANE Select); 129 bases into the intron after coding-DNA position 780, T replaced by C.
Molecular consequence: intron variant.
Genome position (GRCh38, 1-based): chr9:105,608,080, T>C. VCF-style: chr9-105608080-T-C. GRCh37 (hg19) VCF-style: chr9-108370361-T-C.
Other names: c.780+129T>C (NM_006731.2, NM_001351496.2, NM_001198963.2 and 1 more transcripts); c.384+129T>C (NM_001351502.2, NM_001351499.2, NM_001351500.2 and 1 more transcripts); c.711+129T>C (NM_001351497.2).
Identifiers: ClinVar variation 672695 (VCV000672695.1), dbSNP rs67092499, ClinGen allele CA197441723.

ClinVar aggregate classification (germline): Benign (1 of 4 stars; one submission).

Allele frequency attached by ClinVar (database versions not stated): gnomAD exomes 0.07163; 1000 Genomes Project 0.11382; gnomAD 0.11481 and 0.11756; TOPMed 0.11830.
gnomAD v4.1: 59,997 of 741,464 alleles (8.1%); highest among the groups gnomAD compares: African/African-American, 24%; 3,495 homozygotes.

Submission:

GeneDx
Classification: Benign. Last evaluated: 2018-06-14. Review status: criteria provided, single submitter. Criteria: GeneDx Variant Classification (06012015). Collection method: clinical testing. Allele origin: germline. Affected: yes.
Comment: This variant is considered likely benign or benign based on one or more of the following criteria: it is a conservative change, it occurs at a poorly conserved position in the protein, it is predicted to be benign by multiple in silico algorithms, and/or has population frequency not consistent with disease.